The following is an entry in ClinVar:

ClinVar aggregate classification (germline): Benign. Review status: criteria provided, multiple submitters, no conflicts (2 of 4 stars). 3 submissions from 3 submitters: Benign (2). 1 of the submissions does not count toward it. Last evaluated 2026-02-02.

Conditions:
UBE3B-related disorder. Also called: UBE3B-related condition.

Allele frequency attached by ClinVar (database versions not stated): 1000 Genomes Project 30x 0.01062; 1000 Genomes Project 0.01118; TOPMed 0.01952; ESP Exome Variant Server 0.02276; gnomAD 0.02363 and 0.02401; gnomAD exomes 0.02461 and 0.03390; ExAC 0.02471.
gnomAD v4.1: 52,787 of 1,614,046 alleles (3.3%); highest among the groups gnomAD compares: Non-Finnish European, 3.8%; 1,043 homozygotes.

Submissions (3):

Labcorp Genetics (formerly Invitae), Labcorp
Classification: Benign. Last evaluated: 2026-02-02. Review status: criteria provided, single submitter. Criteria: Invitae Variant Classification Sherloc (09022015). Collection method: clinical testing. Allele origin: germline.

Breakthrough Genomics
Classification: Benign. Review status: criteria provided, single submitter. Criteria: ACMG Guidelines, 2015. Collection method: not provided. Allele origin: germline. Inheritance: Autosomal recessive inheritance. Affected: yes.

PreventionGenetics, part of Exact Sciences
Classification: Benign for UBE3B-related condition. Last evaluated: 2019-02-22. Review status: no assertion criteria provided. Collection method: clinical testing. Allele origin: germline. Not counted in ClinVar's aggregate classification.
Comment: This variant is classified as benign based on ACMG/AMP sequence variant interpretation guidelines (Richards et al. 2015 PMID: 25741868, with internal and published modifications).

NM_130466.4(UBE3B):c.838T>C (p.Ser280Pro)

Gene: UBE3B (ubiquitin protein ligase E3B; plus strand). Cytogenetic location: 12q24.11.
Variant type: single nucleotide variant.
Coding change: c.838T>C on transcript NM_130466.4 (MANE Select); coding-DNA position 838, T replaced by C.
Protein change: p.Ser280Pro; replaces serine 280 with proline.
Molecular consequence: missense variant.
Genome position (GRCh38, 1-based): chr12:109,498,251, T>C. VCF-style: chr12-109498251-T-C. GRCh37 (hg19) VCF-style: chr12-109936056-T-C.
Other names: c.838T>C (NM_130466.3); c.838T>C, p.Ser280Pro (NM_183415.3); short protein forms S280P.
Identifiers: ClinVar variation 1599500 (VCV001599500.11), dbSNP rs61748069, ClinGen allele CA6777722.